The following is an entry in ClinVar:

ClinVar aggregate classification (germline): Conflicting classifications of pathogenicity. Review status: criteria provided, conflicting classifications (1 of 4 stars). 2 submissions from 2 submitters: Uncertain significance (1); Likely benign (1). Last evaluated 2024-08-05.

Conditions:
Hereditary cancer-predisposing syndrome. Also called: Neoplastic Syndromes, Hereditary; Hereditary Cancer Syndrome; Hereditary neoplastic syndrome; Tumor predisposition. Identifiers: Orphanet 140162, MedGen C0027672, MeSH D009386, MONDO:0015356.
Hereditary breast ovarian cancer syndrome. Also called: Hereditary breast and ovarian cancer syndrome (HBOC); Hereditary breast and ovarian cancer syndrome; Breast and ovarian cancer; Hereditary breast and/or ovarian cancer syndrome; Hereditary breast and ovarian cancer; BRCA1- and BRCA2-Associated Hereditary Breast and Ovarian Cancer. Identifiers: Orphanet 145, MedGen C0677776, MeSH D061325, MONDO:0003582. Disease mechanism: loss of function.

Submissions (2):

Labcorp Genetics (formerly Invitae), Labcorp
Classification: Uncertain significance for Hereditary breast ovarian cancer syndrome. Last evaluated: 2024-08-05. Review status: criteria provided, single submitter. Criteria: Invitae Variant Classification Sherloc (09022015). Collection method: clinical testing. Allele origin: germline.
Comment: This sequence change replaces phenylalanine, which is neutral and non-polar, with valine, which is neutral and non-polar, at codon 1358 of the BRCA2 protein (p.Phe1358Val). This variant is not present in population databases (gnomAD no frequency). This variant has not been reported in the literature in individuals affected with BRCA2-related conditions. ClinVar contains an entry for this variant (Variation ID: 462321). Advanced modeling of protein sequence and biophysical properties (such as structural, functional, and spatial information, amino acid conservation, physicochemical variation, residue mobility, and thermodynamic stability) performed at Invitae indicates that this missense variant is not expected to disrupt BRCA2 protein function with a negative predictive value of 95%. In summary, the available evidence is currently insufficient to determine the role of this variant in disease. Therefore, it has been classified as a Variant of Uncertain Significance.

University of Washington Department of Laboratory Medicine, University of Washington
Classification: Likely benign for Hereditary cancer-predisposing syndrome. Last evaluated: 2023-03-23. Review status: criteria provided, single submitter. Criteria: Dines et al. (Genet Med. 2020). Collection method: curation. Allele origin: germline.
Comment: Missense variant in a coldspot region where missense variants are very unlikely to be pathogenic (PMID:31911673).

BRCA2 exon 11 coldspot. Reclassification based on statistical prior probability.

NM_000059.4(BRCA2):c.4072T>G (p.Phe1358Val)

Gene: BRCA2 (BRCA2 DNA repair associated; plus strand). Cytogenetic location: 13q13.1.
Variant type: single nucleotide variant.
Coding change: c.4072T>G on transcript NM_000059.4 (MANE Select); coding-DNA position 4072, T replaced by G.
Protein change: p.Phe1358Val; replaces phenylalanine 1358 with valine.
Molecular consequence: missense variant.
Genome position (GRCh38, 1-based): chr13:32,338,427, T>G. VCF-style: chr13-32338427-T-G. GRCh37 (hg19) VCF-style: chr13-32912564-T-G.
Other names: short protein forms F1358V.
Identifiers: ClinVar variation 462321 (VCV000462321.10), dbSNP rs1555283536, ClinGen allele CA387779153.